The following is an entry in ClinVar:

NM_019844.4(SLCO1B3):c.745C>T (p.Pro249Ser)

Genes: SLCO1B3 (solute carrier organic anion transporter family member 1B3; plus strand), SLCO1B3-SLCO1B7 (SLCO1B3-SLCO1B7 readthrough; plus strand). Cytogenetic location: 12p12.2.
Variant type: single nucleotide variant.
Coding change: c.745C>T on transcript NM_019844.4 (MANE Select); coding-DNA position 745, C replaced by T.
Protein change: p.Pro249Ser; replaces proline 249 with serine.
Molecular consequence: missense variant.
Genome position (GRCh38, 1-based): chr12:20,875,252, C>T. VCF-style: chr12-20875252-C-T. GRCh37 (hg19) VCF-style: chr12-21028186-C-T.
Other names: c.745C>T (NM_019844.3); c.745C>T, p.Pro249Ser (NM_001371097.1); c.661C>T, p.Pro221Ser (NM_001349920.2); short protein forms P249S, P221S.
Identifiers: ClinVar variation 3165797 (VCV003165797.2), dbSNP rs904458330, ClinGen allele CA233487640.

ClinVar aggregate classification (germline): Uncertain significance. Review status: criteria provided, multiple submitters, no conflicts (2 of 4 stars). 2 submissions from 2 submitters: Uncertain significance (2). Last evaluated 2025-06-25.

Conditions:
SLCO1B3-related disorder. Also called: SLCO1B3-related condition.

gnomAD v4.1: 1 of 1,613,078 alleles (0.000062%); highest among the groups gnomAD compares: Non-Finnish European, 0.000085%; no homozygotes.

Submissions (2):

PreventionGenetics, part of Exact Sciences
Classification: Uncertain significance for SLCO1B3-related condition. Last evaluated: 2025-06-25. Review status: criteria provided, single submitter. Criteria: ACMG Guidelines, 2015. Collection method: clinical testing. Allele origin: germline.
Comment: The SLCO1B3 c.745C>T variant is predicted to result in the amino acid substitution p.Pro249Ser. To our knowledge, this variant has not been reported in the literature or in a large population database (gnomAD), indicating this variant is rare. At this time, the clinical significance of this variant is uncertain due to the absence of conclusive functional and genetic evidence.

Ambry Genetics
Classification: Uncertain significance. Last evaluated: 2023-12-28. Review status: criteria provided, single submitter. Criteria: Ambry Variant Classification Scheme 2023. Collection method: clinical testing. Allele origin: germline.